The following is an entry in ClinVar:

ClinVar aggregate classification (germline): Uncertain significance (1 of 4 stars; one submission).

Submission:

CeGaT Center for Human Genetics Tuebingen
Classification: Uncertain significance. Last evaluated: 2026-05-01. Review status: criteria provided, single submitter. Criteria: CeGaT Center For Human Genetics Tuebingen Variant Classification Criteria Version 2. Collection method: clinical testing. Allele origin: germline. Affected: yes. Observed: 1 variant allele.
Comment: SACS: PM2, PP3

NM_014363.6(SACS):c.6070C>T (p.Leu2024Phe)

Gene: SACS (sacsin molecular chaperone; minus strand). Cytogenetic location: 13q12.12.
Variant type: single nucleotide variant.
Coding change: c.6070C>T on transcript NM_014363.6 (MANE Select); coding-DNA position 6070, C replaced by T.
Protein change: p.Leu2024Phe; replaces leucine 2024 with phenylalanine.
Molecular consequence: missense variant.
Genome position (GRCh38, 1-based): chr13:23,337,806, G>A on the plus strand (C>T on the coding strand, the complement: SACS is on the minus strand). VCF-style: chr13-23337806-G-A. GRCh37 (hg19) VCF-style: chr13-23911945-G-A.
Other names: c.5629C>T, p.Leu1877Phe (NM_001278055.2); c.6097C>T, p.Leu2033Phe (NM_001437336.1); short protein forms L1877F, L2024F, L2033F.
Identifiers: ClinVar variation 4874864 (VCV004874864.2).